The following is an entry in ClinVar:

NM_206933.4(USH2A):c.7051G>A (p.Ala2351Thr)

Gene: USH2A (usherin; minus strand). Cytogenetic location: 1q41.
Variant type: single nucleotide variant.
Coding change: c.7051G>A on transcript NM_206933.4 (MANE Select); coding-DNA position 7051, G replaced by A.
Protein change: p.Ala2351Thr; replaces alanine 2351 with threonine.
Molecular consequence: missense variant.
Genome position (GRCh38, 1-based): chr1:215,965,386, C>T on the plus strand (G>A on the coding strand, the complement: USH2A is on the minus strand). VCF-style: chr1-215965386-C-T. GRCh37 (hg19) VCF-style: chr1-216138728-C-T.
Other names: short protein forms A2351T.
Identifiers: ClinVar variation 281510 (VCV000281510.8), dbSNP rs886042178, ClinGen allele CA10603902.

ClinVar aggregate classification (germline): Uncertain significance. Review status: criteria provided, multiple submitters, no conflicts (2 of 4 stars). 5 submissions from 4 submitters: Uncertain significance (5). Last evaluated 2024-04-09.

Conditions:
Usher syndrome type 2A. Also called: RETINAL DISEASE IN USHER SYNDROME TYPE IIA, MODIFIER OF; USHER SYNDROME, TYPE IIA. Identifiers: Orphanet 231178, Orphanet 886, MedGen C1848634, MONDO:0010169, OMIM 276901.
Retinitis pigmentosa 39 (RP39). Identifiers: Orphanet 791, MedGen C3151138, MONDO:0013436, OMIM 613809.

Allele frequency attached by ClinVar (database versions not stated): gnomAD exomes below 0.00001; TOPMed below 0.00001; gnomAD 0.00001.
gnomAD v4.1: 6 of 1,613,774 alleles (0.00037%); highest among the groups gnomAD compares: African/African-American, 0.0053%; 1 homozygote.

Submissions (5):

Blueprint Genetics
Classification: Uncertain significance. Last evaluated: 2024-04-09. Review status: criteria provided, single submitter. Criteria: ACMG Guidelines, 2015. Collection method: clinical testing. Allele origin: germline.

Genome-Nilou Lab
Classification: Uncertain significance for Retinitis pigmentosa 39. Last evaluated: 2023-11-04. Review status: criteria provided, single submitter. Criteria: ACMG Guidelines, 2015. Collection method: clinical testing. Allele origin: germline. Affected: no.

Genome-Nilou Lab
Classification: Uncertain significance for Usher syndrome type 2A. Last evaluated: 2023-11-04. Review status: criteria provided, single submitter. Criteria: ACMG Guidelines, 2015. Collection method: clinical testing. Allele origin: germline. Affected: no.

Labcorp Genetics (formerly Invitae), Labcorp
Classification: Uncertain significance. Last evaluated: 2022-09-27. Review status: criteria provided, single submitter. Criteria: Invitae Variant Classification Sherloc (09022015). Collection method: clinical testing. Allele origin: germline.
Comment: This sequence change replaces alanine, which is neutral and non-polar, with threonine, which is neutral and polar, at codon 2351 of the USH2A protein (p.Ala2351Thr). This variant is not present in population databases (gnomAD no frequency). This variant has not been reported in the literature in individuals affected with USH2A-related conditions. ClinVar contains an entry for this variant (Variation ID: 281510). Advanced modeling of protein sequence and biophysical properties (such as structural, functional, and spatial information, amino acid conservation, physicochemical variation, residue mobility, and thermodynamic stability) performed at Invitae indicates that this missense variant is not expected to disrupt USH2A protein function. In summary, the available evidence is currently insufficient to determine the role of this variant in disease. Therefore, it has been classified as a Variant of Uncertain Significance.

Eurofins Ntd Llc (ga)
Classification: Uncertain significance. Last evaluated: 2015-06-24. Review status: criteria provided, single submitter. Criteria: EGL Classification Definitions 2015. Collection method: clinical testing. Allele origin: germline. Observed: 1 variant allele, 1 heterozygote.